The following is an entry in ClinVar:

ClinVar aggregate classification (germline): Uncertain significance (1 of 4 stars; one submission).

Submission:

GeneDx
Classification: Uncertain significance. Last evaluated: 2024-05-28. Review status: criteria provided, single submitter. Criteria: GeneDx Variant Classification Process June 2021. Collection method: clinical testing. Allele origin: germline. Affected: yes.
Comment: In silico analysis indicates that this variant does not alter protein structure/function; Has not been previously published as pathogenic or benign to our knowledge

NM_001039141.3(TRIOBP):c.3898_3899inv (p.His1300Cys)

Gene: TRIOBP (TRIO and F-actin binding protein; plus strand). Cytogenetic location: 22q13.1.
Variant type: Inversion.
Coding change: c.3898_3899inv on transcript NM_001039141.3 (MANE Select).
Protein change: p.His1300Cys; replaces histidine 1300 with cysteine.
Molecular consequence: missense variant.
Genome position: GRCh38 VCF-style: chr22-37726454-CA-TG. GRCh37 (hg19) VCF-style: chr22-38122461-CA-TG.
Other names: short protein forms H1300C.
Identifiers: ClinVar variation 3383616 (VCV003383616.1).